The following is an entry in ClinVar:

ClinVar aggregate classification (germline): Uncertain significance (1 of 4 stars; one submission).

Submission:

CeGaT Center for Human Genetics Tuebingen
Classification: Uncertain significance. Last evaluated: 2024-07-01. Review status: criteria provided, single submitter. Criteria: CeGaT Center For Human Genetics Tuebingen Variant Classification Criteria Version 2. Collection method: clinical testing. Allele origin: germline. Affected: yes. Observed: 1 variant allele.
Comment: POLA1: PM2, BP4

NM_001330360.2(POLA1):c.2216+4T>G

Gene: POLA1 (DNA polymerase alpha 1, catalytic subunit; plus strand). Cytogenetic location: Xp22.11.
Variant type: single nucleotide variant.
Coding change: c.2216+4T>G on transcript NM_001330360.2 (MANE Select); 4 bases into the intron after coding-DNA position 2216, T replaced by G.
Molecular consequence: intron variant.
Genome position (GRCh38, 1-based): chrX:24,739,554, T>G. VCF-style: chrX-24739554-T-G. GRCh37 (hg19) VCF-style: chrX-24757671-T-G.
Other names: c.2141+4T>G (NM_001378303.1); c.2198+4T>G (NM_016937.4).
Identifiers: ClinVar variation 3257298 (VCV003257298.17).
Genomic context (GRCh38, chrX:24,739,554, plus strand): 5'-GATTCTAAAAACTGAAAGGGTTGTAATCCCAATGGAAAATATACAAAATATGTACAGGTA[T>G]GATCCTAGATTCTTCAGAATTCATCTGTCTTGAAATTAACAACAGCAGGACACTACTAGT-3'